The following is an entry in ClinVar:

ClinVar aggregate classification (germline): Uncertain significance. Review status: criteria provided, multiple submitters, no conflicts (2 of 4 stars). 4 submissions from 4 submitters: Uncertain significance (4). Last evaluated 2025-04-28.

Conditions:
Hereditary cancer-predisposing syndrome. Also called: Neoplastic Syndromes, Hereditary; Hereditary Cancer Syndrome; Tumor predisposition; Hereditary neoplastic syndrome. Identifiers: Orphanet 140162, MedGen C0027672, MeSH D009386, MONDO:0015356.
Tuberous sclerosis syndrome (TSC). Also called: Tuberous sclerosis; Tuberous Sclerosis Complex. Identifiers: Orphanet 805, MedGen C0041341, MONDO:0001734.
Tuberous sclerosis 1 (TSC1). Identifiers: Orphanet 805, MedGen C1854465, MONDO:0008612, OMIM 191100.

Submissions (4):

Labcorp Genetics (formerly Invitae), Labcorp
Classification: Uncertain significance for Tuberous sclerosis 1. Last evaluated: 2025-04-28. Review status: criteria provided, single submitter. Criteria: Invitae Variant Classification Sherloc (09022015). Collection method: clinical testing. Allele origin: germline.
Comment: This sequence change replaces histidine, which is basic and polar, with aspartic acid, which is acidic and polar, at codon 437 of the TSC1 protein (p.His437Asp). This variant is not present in population databases (gnomAD no frequency). This variant has not been reported in the literature in individuals affected with TSC1-related conditions. ClinVar contains an entry for this variant (Variation ID: 1692389). Invitae Evidence Modeling of protein sequence and biophysical properties (such as structural, functional, and spatial information, amino acid conservation, physicochemical variation, residue mobility, and thermodynamic stability) indicates that this missense variant is not expected to disrupt TSC1 protein function with a negative predictive value of 95%. In summary, the available evidence is currently insufficient to determine the role of this variant in disease. Therefore, it has been classified as a Variant of Uncertain Significance.

All of Us Research Program, National Institutes of Health
Classification: Uncertain significance for Tuberous sclerosis syndrome. Last evaluated: 2023-12-13. Review status: criteria provided, single submitter. Criteria: ACMG Guidelines, 2015. Collection method: clinical testing. Allele origin: germline. Inheritance: Autosomal dominant inheritance. Observed: 1 variant allele, 1 heterozygote.
Comment: This missense variant replaces histidine with aspartic acid at codon 437 of the TSC1 protein. Computational prediction suggests that this variant may not impact protein structure and function (internally defined REVEL score threshold <= 0.5, PMID: 27666373). To our knowledge, functional studies have not been reported for this variant. This variant has not been reported in individuals affected with TSC1-related disorders in the literature. This variant has not been identified in the general population by the Genome Aggregation Database (gnomAD). The available evidence is insufficient to determine the role of this variant in disease conclusively. Therefore, this variant is classified as a Variant of Uncertain Significance.

This study involves interpretation of variants in research participants for the purpose of population health screening. Participant phenotype was not available at the time of variant classification. Additional details can be found in publication PMID: 35346344, PMCID: PMC8962531

Sema4
Classification: Uncertain significance for Hereditary cancer-predisposing syndrome. Last evaluated: 2022-02-27. Review status: criteria provided, single submitter. Criteria: Sema4 Curation Guidelines. Collection method: curation. Allele origin: germline.
Comment: The TSC1 c.1309C>G (p.H437D) variant has not been reported in the literature to our knowledge. It was not observed in the large and broad cohorts of the Genome Aggregation Database (PMID: 32461654). This variant has not been reported in ClinVar. Functional studies have not been performed, and in silico predictions of the variant's effect on protein function are inconclusive. The evidence is insufficient to meet ACMG/AMP criteria for classifying the variant as benign or pathogenic. Thus, the clinical significance of this variant is currently uncertain.

Ambry Genetics
Classification: Uncertain significance for Hereditary cancer-predisposing syndrome. Last evaluated: 2022-02-04. Review status: criteria provided, single submitter. Criteria: Ambry Variant Classification Scheme 2023. Collection method: clinical testing. Allele origin: germline.
Comment: The p.H437D variant (also known as c.1309C>G), located in coding exon 11 of the TSC1 gene, results from a C to G substitution at nucleotide position 1309. The histidine at codon 437 is replaced by aspartic acid, an amino acid with similar properties. This amino acid position is conserved. In addition, this alteration is predicted to be tolerated by in silico analysis. Since supporting evidence is limited at this time, the clinical significance of this alteration remains unclear.

NM_000368.5(TSC1):c.1309C>G (p.His437Asp)

Gene: TSC1 (TSC complex subunit 1; minus strand). Cytogenetic location: 9q34.13.
Variant type: single nucleotide variant.
Coding change: c.1309C>G on transcript NM_000368.5 (MANE Select); coding-DNA position 1309, C replaced by G.
Protein change: p.His437Asp; replaces histidine 437 with aspartic acid.
Molecular consequence: missense variant.
Genome position (GRCh38, 1-based): chr9:132,907,325, G>C on the plus strand (C>G on the coding strand, the complement: TSC1 is on the minus strand). VCF-style: chr9-132907325-G-C. GRCh37 (hg19) VCF-style: chr9-135782712-G-C.
Other names: c.1306C>G, p.His436Asp (NM_001162426.2); c.1156C>G, p.His386Asp (NM_001162427.2); c.946C>G, p.His316Asp (NM_001362177.2); short protein forms H316D, H386D, H436D, H437D.
Identifiers: ClinVar variation 1692389 (VCV001692389.6), dbSNP rs985183299, ClinGen allele CA375366126.
Genomic context (GRCh38, chr9:132,907,325, plus strand): 5'-AGGCAAGCAAGGCCTGTAGTAACGCAGAAATTTTACCTGATCCTCTGTCATTCAGAAGAT[G>C]GTGTTGTCTGTGTAGACATGGTCTTGCAGAATCCATTCTCTCTTCCTGAAAAGATAAGTA-3'
Protein context (NP_000359.1, residues 427-447): SARPCLHRQH[His437Asp]LLNDRGSEEP